The following is an entry in ClinVar:

NM_006790.3(MYOT):c.459A>G (p.Ser153=)

Genes: MYOT (myotilin; plus strand), PKD2L2-DT (PKD2L2 divergent transcript; minus strand). Cytogenetic location: 5q31.2.
Variant type: single nucleotide variant.
Coding change: c.459A>G on transcript NM_006790.3 (MANE Select); coding-DNA position 459, A replaced by G.
Protein change: p.Ser153=; no amino-acid change (serine 153 retained).
Molecular consequence: synonymous variant. On other transcripts: 5 prime UTR variant (1).
Genome position (GRCh38, 1-based): chr5:137,875,931, A>G. VCF-style: chr5-137875931-A-G. GRCh37 (hg19) VCF-style: chr5-137211620-A-G.
Other names: c.-94A>G (NM_001135940.2); c.114A>G, p.Ser38= (NM_001300911.2).
Identifiers: ClinVar variation 1615369 (VCV001615369.13), dbSNP rs770101476, ClinGen allele CA3422916.

ClinVar aggregate classification (germline): Likely benign. Review status: criteria provided, multiple submitters, no conflicts (2 of 4 stars). 2 submissions from 2 submitters: Likely benign (2). Last evaluated 2025-12-01.

Conditions:
Myofibrillar myopathy 3 (MFM3). Also called: Autosomal dominant spheroid body myopathy; Muscular dystrophy, proximal, type 1A. Identifiers: Orphanet 266, Orphanet 268129, MedGen C3714934, MONDO:0012215, OMIM 609200.

Allele frequency attached by ClinVar (database versions not stated): gnomAD exomes below 0.00001 and 0.00001; TOPMed below 0.00001; ExAC 0.00001; gnomAD 0.00001.

Submissions (2):

CeGaT Center for Human Genetics Tuebingen
Classification: Likely benign. Last evaluated: 2025-12-01. Review status: criteria provided, single submitter. Criteria: CeGaT Center For Human Genetics Tuebingen Variant Classification Criteria Version 2. Collection method: clinical testing. Allele origin: germline. Affected: yes. Observed: 1 variant allele.
Comment: MYOT: BP4, BP7

Labcorp Genetics (formerly Invitae), Labcorp
Classification: Likely benign for Myofibrillar myopathy 3. Last evaluated: 2024-02-20. Review status: criteria provided, single submitter. Criteria: Invitae Variant Classification Sherloc (09022015). Collection method: clinical testing. Allele origin: germline.